The following is an entry in ClinVar:

ClinVar aggregate classification (germline): Pathogenic (1 of 4 stars; one submission).

Submission:

Labcorp Genetics (formerly Invitae), Labcorp
Classification: Pathogenic. Last evaluated: 2022-07-07. Review status: criteria provided, single submitter. Criteria: Invitae Variant Classification Sherloc (09022015). Collection method: clinical testing. Allele origin: germline.
Comment: For these reasons, this variant has been classified as Pathogenic. This variant disrupts a region of the PRPF31 protein in which other variant(s) (p.Leu197Pro) have been determined to be pathogenic (PMID: 30030392, 30360737). This suggests that this is a clinically significant region of the protein, and that variants that disrupt it are likely to be disease-causing. This variant has not been reported in the literature in individuals affected with PRPF31-related conditions. This variant results in the deletion of exon 6 and part of exon 7 (c.421-318_592del) of the PRPF31 gene. It is expected to disrupt RNA splicing. Variants that disrupt the donor or acceptor splice site typically lead to a loss of protein function (PMID: 16199547), and loss-of-function variants in PRPF31 are known to be pathogenic (PMID: 18317597, 23950152).

Literature cited by the submitters: PubMed 30030392; PubMed 30360737; PubMed 16199547; PubMed 18317597; PubMed 23950152.

NC_000019.9:g.(?_54626515)_(54627192_?)del

Gene: PRPF31 (pre-mRNA processing factor 31; plus strand). Cytogenetic location: 19q13.42.
Variant type: Deletion.
Identifiers: ClinVar variation 2426201 (VCV002426201.5).